The following is an entry in ClinVar:

NM_206933.4(USH2A):c.12269C>G (p.Pro4090Arg)

Gene: USH2A (usherin; minus strand). Cytogenetic location: 1q41.
Variant type: single nucleotide variant.
Coding change: c.12269C>G on transcript NM_206933.4 (MANE Select); coding-DNA position 12269, C replaced by G.
Protein change: p.Pro4090Arg; replaces proline 4090 with arginine.
Molecular consequence: missense variant.
Genome position (GRCh38, 1-based): chr1:215,680,174, G>C on the plus strand (C>G on the coding strand, the complement: USH2A is on the minus strand). VCF-style: chr1-215680174-G-C. GRCh37 (hg19) VCF-style: chr1-215853516-G-C.
Other names: short protein forms P4090R.
Identifiers: ClinVar variation 1044853 (VCV001044853.8), dbSNP rs1658178709, ClinGen allele CA344815833.

ClinVar aggregate classification (germline): Pathogenic (1 of 4 stars; one submission).

Submission:

Labcorp Genetics (formerly Invitae), Labcorp
Classification: Pathogenic. Last evaluated: 2023-08-10. Review status: criteria provided, single submitter. Criteria: Invitae Variant Classification Sherloc (09022015). Collection method: clinical testing. Allele origin: germline.
Comment: This sequence change replaces proline, which is neutral and non-polar, with arginine, which is basic and polar, at codon 4090 of the USH2A protein (p.Pro4090Arg). For these reasons, this variant has been classified as Pathogenic. This variant disrupts the p.Pro4090 amino acid residue in USH2A. Other variant(s) that disrupt this residue have been determined to be pathogenic (PMID: 23591405; Invitae). This suggests that this residue is clinically significant, and that variants that disrupt this residue are likely to be disease-causing. Advanced modeling of protein sequence and biophysical properties (such as structural, functional, and spatial information, amino acid conservation, physicochemical variation, residue mobility, and thermodynamic stability) performed at Invitae indicates that this missense variant is expected to disrupt USH2A protein function. ClinVar contains an entry for this variant (Variation ID: 1044853). This missense change has been observed in individuals with retinitis pigmentosa (PMID: 28559085; Invitae). This variant is not present in population databases (gnomAD no frequency).

Literature cited by the submitters: PubMed 23591405; PubMed 28559085.